The following is an entry in ClinVar:

ClinVar aggregate classification (germline): Uncertain significance (1 of 4 stars; one submission).

Submission:

GeneDx
Classification: Uncertain significance. Last evaluated: 2024-02-26. Review status: criteria provided, single submitter. Criteria: GeneDx Variant Classification Process June 2021. Collection method: clinical testing. Allele origin: germline. Affected: yes.
Comment: Not observed at significant frequency in large population cohorts (gnomAD); In silico analysis supports that this missense variant has a deleterious effect on protein structure/function; Has not been previously published as pathogenic or benign to our knowledge

NM_016628.5(WAC):c.974C>G (p.Ser325Cys)

Gene: WAC (WW domain containing adaptor with coiled-coil; plus strand). Cytogenetic location: 10p12.1.
Variant type: single nucleotide variant.
Coding change: c.974C>G on transcript NM_016628.5 (MANE Select); coding-DNA position 974, C replaced by G.
Protein change: p.Ser325Cys; replaces serine 325 with cysteine.
Molecular consequence: missense variant.
Genome position (GRCh38, 1-based): chr10:28,608,240, C>G. VCF-style: chr10-28608240-C-G. GRCh37 (hg19) VCF-style: chr10-28897169-C-G.
Other names: c.839C>G, p.Ser280Cys (NM_100264.3); c.665C>G, p.Ser222Cys (NM_100486.4); short protein forms S222C, S280C, S325C.
Identifiers: ClinVar variation 3369883 (VCV003369883.1).